The following is an entry in ClinVar:

NM_022464.5(SIL1):c.153A>G (p.Thr51=)

Gene: SIL1 (SIL1 nucleotide exchange factor; minus strand). Cytogenetic location: 5q31.2.
Variant type: single nucleotide variant.
Coding change: c.153A>G on transcript NM_022464.5 (MANE Select); coding-DNA position 153, A replaced by G.
Protein change: p.Thr51=; no amino-acid change (threonine 51 retained).
Molecular consequence: synonymous variant.
Genome position (GRCh38, 1-based): chr5:139,121,126, T>C on the plus strand (A>G on the coding strand, the complement: SIL1 is on the minus strand). VCF-style: chr5-139121126-T-C. GRCh37 (hg19) VCF-style: chr5-138456815-T-C.
Other names: p.Thr51=; c.153A>G, p.Thr51= (NM_001037633.2).
Identifiers: ClinVar variation 96085 (VCV000096085.28), dbSNP rs3088052, ClinGen allele CA149224.

ClinVar aggregate classification (germline): Benign. Review status: criteria provided, multiple submitters, no conflicts (2 of 4 stars). 12 submissions from 12 submitters: Benign (9). 3 of the submissions do not count toward it. Last evaluated 2026-02-04.

Conditions:
Marinesco-Sjögren syndrome (MSS). Also called: Marinesco-Sjogren Syndrome; Marinesco-SjÃ¶gren syndrome. Identifiers: Orphanet 559, MedGen C0024814, MONDO:0009567, OMIM 248800.

Allele frequency attached by ClinVar (database versions not stated): 1000 Genomes Project 0.42692; gnomAD exomes 0.42737 and 0.43367; 1000 Genomes Project 30x 0.43317; ExAC 0.43544; gnomAD 0.49221 and 0.50252; TOPMed 0.49414; ESP Exome Variant Server 0.51422.
gnomAD v4.1: 708,965 of 1,613,918 alleles (44%); highest among the groups gnomAD compares: African/African-American, 67%; 160,014 homozygotes.

Submissions (12):

Labcorp Genetics (formerly Invitae), Labcorp
Classification: Benign for Marinesco-Sjögren syndrome. Last evaluated: 2026-02-04. Review status: criteria provided, single submitter. Criteria: Invitae Variant Classification Sherloc (09022015). Collection method: clinical testing. Allele origin: germline.

Mayo Clinic Laboratories, Mayo Clinic
Classification: Benign. Last evaluated: 2022-03-24. Review status: criteria provided, single submitter. Criteria: ACMG Guidelines, 2015. Collection method: clinical testing. Allele origin: germline. Observed: 530 variant alleles.

Genome-Nilou Lab
Classification: Benign for Marinesco-Sjögren syndrome. Last evaluated: 2021-07-15. Review status: criteria provided, single submitter. Criteria: ACMG Guidelines, 2015. Collection method: clinical testing. Allele origin: germline. Affected: no.

Illumina Laboratory Services, Illumina
Classification: Benign for Marinesco-Sjögren syndrome. Last evaluated: 2018-01-13. Review status: criteria provided, single submitter. Criteria: ICSL Variant Classification Criteria 13 December 2019. Collection method: clinical testing. Allele origin: germline.
Comment: This variant was observed in the ICSL laboratory as part of a predisposition screen in an ostensibly healthy population. It had not been previously curated by ICSL or reported in the Human Gene Mutation Database (HGMD: prior to June 1st, 2018), and was therefore a candidate for classification through an automated scoring system. Utilizing variant allele frequency, disease prevalence and penetrance estimates, and inheritance mode, an automated score was calculated to assess if this variant is too frequent to cause the disease. Based on the score and internal cut-off values, a variant classified as benign is not then subjected to further curation. The score for this variant resulted in a classification of benign for this disease.

Athena Diagnostics
Classification: Benign. Last evaluated: 2017-04-14. Review status: criteria provided, single submitter. Criteria: Athena Diagnostics Criteria. Collection method: clinical testing. Allele origin: germline.

GeneDx
Classification: Benign. Last evaluated: 2016-01-05. Review status: criteria provided, single submitter. Criteria: GeneDx Variant Classification (06012015). Collection method: clinical testing. Allele origin: germline. Affected: yes.
Comment: This variant is considered likely benign or benign based on one or more of the following criteria: it is a conservative change, it occurs at a poorly conserved position in the protein, it is predicted to be benign by multiple in silico algorithms, and/or has population frequency not consistent with disease.

Clinical Genetics DNA and cytogenetics Diagnostics Lab, Erasmus MC, Erasmus Medical Center
Classification: Benign for Marinesco-Sjögren syndrome. Last evaluated: 2015-09-21. Review status: criteria provided, single submitter. Criteria: ACGS Guidelines, 2013. Collection method: clinical testing. Allele origin: germline. Affected: yes. Study: VKGL Data-share Consensus.

Eurofins Ntd Llc (ga)
Classification: Benign. Last evaluated: 2013-12-27. Review status: criteria provided, single submitter. Criteria: EGL Classification Definitions 2015. Collection method: clinical testing. Allele origin: germline. Observed: 36 variant alleles, 26 heterozygotes, 10 homozygotes.

PreventionGenetics, part of Exact Sciences
Classification: Benign. Review status: criteria provided, single submitter. Criteria: ACMG Guidelines, 2015. Collection method: clinical testing. Allele origin: germline.

Diagnostic Laboratory, Department of Genetics, University Medical Center Groningen
Classification: Benign for Marinesco-Sjögren syndrome. Review status: no assertion criteria provided. Collection method: clinical testing. Allele origin: germline. Affected: yes. Study: VKGL Data-share Consensus. Not counted in ClinVar's aggregate classification.

Genetic Services Laboratory, University of Chicago
Classification: Likely benign for AllHighlyPenetrant. Review status: no assertion criteria provided. Collection method: clinical testing. Allele origin: germline. Inheritance: Autosomal recessive inheritance. Not counted in ClinVar's aggregate classification.
Comment: Likely benign based on allele frequency in 1000 Genomes Project or ESP global frequency and its presence in a patient with a rare or unrelated disease phenotype. NOT Sanger confirmed.

Joint Genome Diagnostic Labs from Nijmegen and Maastricht, Radboudumc and MUMC+
Classification: Benign. Review status: no assertion criteria provided. Collection method: clinical testing. Allele origin: germline. Affected: yes. Study: VKGL Data-share Consensus. Not counted in ClinVar's aggregate classification.

Literature cited by the submitters: PubMed 16282977 (cited by Athena Diagnostics).